The following is an entry in ClinVar:

NM_001145860.2(POP1):c.1739T>A (p.Leu580Gln)

Gene: POP1 (POP1 homolog, ribonuclease P/MRP subunit; plus strand). Cytogenetic location: 8q22.2.
Variant type: single nucleotide variant.
Coding change: c.1739T>A on transcript NM_001145860.2 (MANE Select); coding-DNA position 1739, T replaced by A.
Protein change: p.Leu580Gln; replaces leucine 580 with glutamine.
Molecular consequence: missense variant.
Genome position (GRCh38, 1-based): chr8:98,148,843, T>A. VCF-style: chr8-98148843-T-A. GRCh37 (hg19) VCF-style: chr8-99161071-T-A.
Other names: c.1739T>A, p.Leu580Gln (NM_001145861.2, NM_015029.3); short protein forms L580Q.
Identifiers: ClinVar variation 3375504 (VCV003375504.1).

ClinVar aggregate classification (germline): Uncertain significance (1 of 4 stars; one submission).

Submission:

GeneDx
Classification: Uncertain significance. Last evaluated: 2024-05-10. Review status: criteria provided, single submitter. Criteria: GeneDx Variant Classification Process June 2021. Collection method: clinical testing. Allele origin: germline. Affected: yes.
Comment: Not observed at significant frequency in large population cohorts (gnomAD); In silico analysis supports that this missense variant has a deleterious effect on protein structure/function; In silico analysis is inconclusive as to whether the variant alters gene splicing. In the absence of RNA/functional studies, the actual effect of this sequence change is unknown.; Has not been previously published as pathogenic or benign to our knowledge